The following is an entry in ClinVar:

NM_000135.4(FANCA):c.1307A>G (p.Gln436Arg)

Gene: FANCA (FA complementation group A; minus strand). Cytogenetic location: 16q24.3.
Variant type: single nucleotide variant.
Coding change: c.1307A>G on transcript NM_000135.4 (MANE Select); coding-DNA position 1307, A replaced by G.
Protein change: p.Gln436Arg; replaces glutamine 436 with arginine.
Molecular consequence: missense variant.
Genome position (GRCh38, 1-based): chr16:89,791,455, T>C on the plus strand (A>G on the coding strand, the complement: FANCA is on the minus strand). VCF-style: chr16-89791455-T-C. GRCh37 (hg19) VCF-style: chr16-89857863-T-C.
Other names: c.1307A>G, p.Gln436Arg (NM_001286167.3); c.1307A>G (NM_000135.3); short protein forms Q436R.
Identifiers: ClinVar variation 1064631 (VCV001064631.17), dbSNP rs2040074214, ClinGen allele CA397463949.

ClinVar aggregate classification (germline): Pathogenic/Likely pathogenic. Review status: criteria provided, multiple submitters, no conflicts (2 of 4 stars). 4 submissions from 4 submitters: Pathogenic (2); Likely pathogenic (2). Last evaluated 2024-07-02.

Conditions:
Fanconi anemia complementation group A (FANCA). Also called: FANCA-Related Fanconi Anemia; Fanconi anemia, group A. Identifiers: Orphanet 84, MedGen C3469521, MONDO:0009215, OMIM 227650.
Fanconi anemia (FA). Also called: Fanconi's anemia. Identifiers: Orphanet 84, MedGen C0015625, MeSH D005199, MONDO:0019391.

Allele frequency attached by ClinVar (database versions not stated): gnomAD exomes below 0.00001; TOPMed below 0.00001.
gnomAD v4.1: 4 of 1,614,170 alleles (0.00025%); highest among the groups gnomAD compares: Non-Finnish European, 0.00034%; no homozygotes.

Submissions (4):

Natera, Inc.
Classification: Likely pathogenic for Fanconi anemia. Last evaluated: 2024-07-02. Review status: criteria provided, single submitter. Criteria: Natera Variant Classification Schema (03/2026). Collection method: clinical testing. Allele origin: germline.
Comment: The c.1307A>G variant in FANCA is a missense variant predicted to cause substitution of glutamine to arginine at amino acid 436. This variant is rare in the general population with a frequency below the threshold expected for the associated phenotype(s). This variant has been observed in one or more individuals affected with the associated recessive disease, as either homozygous or compound heterozygous with a second variant (PMID: 29098742). Functional studies show that this variant may disrupt protein function (PMID: 29098742). Computational prediction algorithms indicate this variant is likely to affect gene or protein function. Given the available evidence, this variant is classified as Likely Pathogenic.

Baylor Genetics
Classification: Pathogenic for Fanconi anemia complementation group A. Last evaluated: 2023-05-31. Review status: criteria provided, single submitter. Criteria: ACMG Guidelines, 2015. Collection method: clinical testing. Allele origin: unknown.

Labcorp Genetics (formerly Invitae), Labcorp
Classification: Pathogenic for Fanconi anemia. Last evaluated: 2023-05-10. Review status: criteria provided, single submitter. Criteria: Invitae Variant Classification Sherloc (09022015). Collection method: clinical testing. Allele origin: germline.
Comment: For these reasons, this variant has been classified as Pathogenic. Experimental studies have shown that this missense change affects FANCA function (PMID: 29098742). Advanced modeling of protein sequence and biophysical properties (such as structural, functional, and spatial information, amino acid conservation, physicochemical variation, residue mobility, and thermodynamic stability) performed at Invitae indicates that this missense variant is expected to disrupt FANCA protein function. ClinVar contains an entry for this variant (Variation ID: 1064631). This missense change has been observed in individual(s) with acute myeloid leukemia, Fanconi anemia (PMID: 29098742, 34906502). In at least one individual the data is consistent with being in trans (on the opposite chromosome) from a pathogenic variant. This variant is not present in population databases (gnomAD no frequency). This sequence change replaces glutamine, which is neutral and polar, with arginine, which is basic and polar, at codon 436 of the FANCA protein (p.Gln436Arg).

Kids Neuroscience Centre, Sydney Children's Hospitals Network
Classification: Likely pathogenic for Fanconi anemia complementation group A. Review status: criteria provided, single submitter. Criteria: Bournazos AM et al. (Genet Med 2021). Collection method: provider interpretation. Allele origin: unknown. Inheritance: Autosomal recessive inheritance. Affected: yes. Observed: 2 compound heterozygotes.
Comment: Missense variant. Observed in-trans with NM_000135.2:c.1715+3_1715+13del. c.1307A>G variants are predicted to only affect the long FANCA isoforms,

Literature cited by the submitters: PubMed 29098742 (cited by Natera, Inc. and Labcorp Genetics (formerly Invitae), Labcorp); PubMed 34906502 (cited by Labcorp Genetics (formerly Invitae), Labcorp).